The following is an entry in ClinVar:

ClinVar aggregate classification (germline): Uncertain significance (1 of 4 stars; one submission).

Conditions:
Hereditary cancer-predisposing syndrome. Also called: Hereditary Cancer Syndrome; Neoplastic Syndromes, Hereditary; Tumor predisposition; Hereditary neoplastic syndrome. Identifiers: Orphanet 140162, MedGen C0027672, MeSH D009386, MONDO:0015356.

Submission:

Ambry Genetics
Classification: Uncertain significance for Hereditary cancer-predisposing syndrome. Last evaluated: 2025-09-22. Review status: criteria provided, single submitter. Criteria: Ambry Variant Classification Scheme 2023. Collection method: clinical testing. Allele origin: germline.
Comment: The p.L16P variant (also known as c.47T>C), located in coding exon 1 of the KIT gene, results from a T to C substitution at nucleotide position 47. The leucine at codon 16 is replaced by proline, an amino acid with similar properties. This amino acid position is conserved. In addition, this alteration is predicted to be tolerated by in silico analysis. Since supporting evidence is limited at this time, the clinical significance of this alteration remains unclear.

NM_000222.3(KIT):c.47T>C (p.Leu16Pro)

Gene: KIT (KIT proto-oncogene, receptor tyrosine kinase; plus strand). Cytogenetic location: 4q12.
Variant type: single nucleotide variant.
Coding change: c.47T>C on transcript NM_000222.3 (MANE Select); coding-DNA position 47, T replaced by C.
Protein change: p.Leu16Pro; replaces leucine 16 with proline.
Molecular consequence: missense variant.
Genome position (GRCh38, 1-based): chr4:54,658,061, T>C. VCF-style: chr4-54658061-T-C. GRCh37 (hg19) VCF-style: chr4-55524228-T-C.
Other names: c.47T>C, p.Leu16Pro (NM_001093772.2, NM_001385284.1, NM_001385285.1 and 4 more transcripts); short protein forms L16P.
Identifiers: ClinVar variation 1743190 (VCV001743190.3), dbSNP rs2475323484, ClinGen allele CA356897983.
Genomic context (GRCh38, chr4:54,658,061, plus strand): 5'-TCGCAGCTACCGCGATGAGAGGCGCTCGCGGCGCCTGGGATTTTCTCTGCGTTCTGCTCC[T>C]ACTGCTTCGCGTCCAGACAGGTGGGACACCGCGGCTGGCACCCCGACCGTGCGACTACTC-3'
Protein context (NP_000213.1, residues 6-26): GAWDFLCVLL[Leu16Pro]LLRVQTGSSQ